The following is an entry in ClinVar:

ClinVar aggregate classification (germline): Uncertain significance (0 of 4 stars; one submission).

Conditions:
CSMD3-related disorder. Also called: CSMD3-related condition.

Submission:

PreventionGenetics, part of Exact Sciences
Classification: Uncertain significance for CSMD3-related condition. Last evaluated: 2024-05-09. Review status: no assertion criteria provided. Collection method: clinical testing. Allele origin: germline.
Comment: The CSMD3 c.2245T>G variant is predicted to result in the amino acid substitution p.Trp749Gly. To our knowledge, this variant has not been reported in the literature or in a large population database, indicating this variant is rare. At this time, the clinical significance of this variant is uncertain due to the absence of conclusive functional and genetic evidence.

NM_198123.2(CSMD3):c.2245T>G (p.Trp749Gly)

Gene: CSMD3 (CUB and Sushi multiple domains 3; minus strand). Cytogenetic location: 8q23.3.
Variant type: single nucleotide variant.
Coding change: c.2245T>G on transcript NM_198123.2 (MANE Select); coding-DNA position 2245, T replaced by G.
Protein change: p.Trp749Gly; replaces tryptophan 749 with glycine.
Molecular consequence: missense variant.
Genome position (GRCh38, 1-based): chr8:112,685,643, A>C on the plus strand (T>G on the coding strand, the complement: CSMD3 is on the minus strand). VCF-style: chr8-112685643-A-C. GRCh37 (hg19) VCF-style: chr8-113697872-A-C.
Other names: c.1855T>G, p.Trp619Gly (NM_001363185.1); c.1933T>G, p.Trp645Gly (NM_052900.3); c.2125T>G, p.Trp709Gly (NM_198124.2); short protein forms W619G, W645G, W709G, W749G.
Identifiers: ClinVar variation 3347105 (VCV003347105.1).
Genomic context (GRCh38, chr8:112,685,643, plus strand): 5'-CCAGGTCAAAGTCATTGAAAGAAAGATGTATCCGGCTCCCTGGATCAGAGATTATCGTCC[A>C]GATGCAATTTAAATTATTTCCATACCCTTCTGGGTAATCAGGAGAAAGAACTGTTCCCAT-3'
Protein context (NP_937756.1, residues 739-759): EGYGNNLNCI[Trp749Gly]TIISDPGSRI